The following is an entry in ClinVar:

NM_001298.3(CNGA3):c.68G>A (p.Arg23Gln)

Gene: CNGA3 (cyclic nucleotide gated channel subunit alpha 3; plus strand). Cytogenetic location: 2q11.2.
Variant type: single nucleotide variant.
Coding change: c.68G>A on transcript NM_001298.3 (MANE Select); coding-DNA position 68, G replaced by A.
Protein change: p.Arg23Gln; replaces arginine 23 with glutamine.
Molecular consequence: missense variant.
Genome position (GRCh38, 1-based): chr2:98,370,043, G>A. VCF-style: chr2-98370043-G-A. GRCh37 (hg19) VCF-style: chr2-98986506-G-A.
Other names: c.68G>A, p.Arg23Gln (NM_001079878.2); short protein forms R23Q.
Identifiers: ClinVar variation 895316 (VCV000895316.10), dbSNP rs746563618, ClinGen allele CA1793546.
Genomic context (GRCh38, chr2:98,370,043, plus strand): 5'-AGATCAACACCCAATACTCCCACCCCTCCAGGACCCACCTCAAGGTAAAGACCTCAGACC[G>A]AGATCTCAATCGCGCTGAAAATGGCCTCAGCAGGTAAGATGGGCTAAGATGGGCTTTTCA-3'
Protein context (NP_001289.1, residues 13-33): RTHLKVKTSD[Arg23Gln]DLNRAENGLS

ClinVar aggregate classification (germline): Uncertain significance. Review status: criteria provided, multiple submitters, no conflicts (2 of 4 stars). 3 submissions from 3 submitters: Uncertain significance (3). Last evaluated 2026-08-27.

Conditions:
Achromatopsia 2 (ACHM2). Also called: COLORBLINDNESS, TOTAL; ROD MONOCHROMACY 2; ROD MONOCHROMATISM 2. Identifiers: Orphanet 49382, MedGen C1857618, MONDO:0009003, OMIM 216900.
CNGA3-related disorder. Also called: CNGA3-related condition.

Allele frequency attached by ClinVar (database versions not stated): gnomAD 0.00003; gnomAD exomes 0.00003; TOPMed 0.00003; ExAC 0.00005.
gnomAD v4.1: 36 of 1,613,778 alleles (0.0022%); highest among the groups gnomAD compares: South Asian, 0.015%; no homozygotes.

Submissions (3):

PreventionGenetics, part of Exact Sciences
Classification: Uncertain significance for CNGA3-related condition. Last evaluated: 2026-08-27. Review status: criteria provided, single submitter. Criteria: ACMG Guidelines, 2015. Collection method: clinical testing. Allele origin: germline.
Comment: The CNGA3 c.68G>A variant is predicted to result in the amino acid substitution p.Arg23Gln. This variant has not been previously reported in the literature in association with established CNGA3-related disease. This variant is reported in 0.013% of alleles in individuals of South Asian descent in gnomAD. At this time, the clinical significance of this variant is uncertain due to the absence of conclusive functional and genetic evidence.

Labcorp Genetics (formerly Invitae), Labcorp
Classification: Uncertain significance. Last evaluated: 2023-11-27. Review status: criteria provided, single submitter. Criteria: Invitae Variant Classification Sherloc (09022015). Collection method: clinical testing. Allele origin: germline.
Comment: This sequence change replaces arginine, which is basic and polar, with glutamine, which is neutral and polar, at codon 23 of the CNGA3 protein (p.Arg23Gln). This variant is present in population databases (rs746563618, gnomAD 0.02%). This variant has not been reported in the literature in individuals affected with CNGA3-related conditions. ClinVar contains an entry for this variant (Variation ID: 895316). Advanced modeling of protein sequence and biophysical properties (such as structural, functional, and spatial information, amino acid conservation, physicochemical variation, residue mobility, and thermodynamic stability) performed at Invitae indicates that this missense variant is not expected to disrupt CNGA3 protein function with a negative predictive value of 95%. In summary, the available evidence is currently insufficient to determine the role of this variant in disease. Therefore, it has been classified as a Variant of Uncertain Significance.

Illumina Laboratory Services, Illumina
Classification: Uncertain significance for Achromatopsia 2. Last evaluated: 2018-03-06. Review status: criteria provided, single submitter. Criteria: ICSL Variant Classification Criteria 13 December 2019. Collection method: clinical testing. Allele origin: germline.